The following is an entry in ClinVar:

NM_058216.3(RAD51C):c.401T>G (p.Leu134Ter)

Gene: RAD51C (RAD51 paralog C; plus strand). Cytogenetic location: 17q22.
Variant type: single nucleotide variant.
Coding change: c.401T>G on transcript NM_058216.3 (MANE Select); coding-DNA position 401, T replaced by G.
Protein change: p.Leu134Ter; replaces leucine 134 with a stop codon.
Molecular consequence: nonsense. On other transcripts: non-coding transcript variant (2).
Genome position (GRCh38, 1-based): chr17:58,695,186, T>G. VCF-style: chr17-58695186-T-G. GRCh37 (hg19) VCF-style: chr17-56772547-T-G.
Other names: c.401T>G, p.Leu134Ter (NM_002876.4); short protein forms L134*.
Identifiers: ClinVar variation 1072950 (VCV001072950.8), dbSNP rs1233795152, ClinGen allele CA400342118.

ClinVar aggregate classification (germline): Pathogenic. Review status: criteria provided, multiple submitters, no conflicts (2 of 4 stars). 2 submissions from 2 submitters: Pathogenic (2). Last evaluated 2024-01-02.

Conditions:
Breast-ovarian cancer, familial, susceptibility to, 3. Also called: RAD51C-Related Breast/Ovarian Cancer. Identifiers: Orphanet 145, MedGen C3150659, MONDO:0013253, OMIM 613399.
Fanconi anemia complementation group O. Also called: RAD51C-Related Fanconi Anemia. Identifiers: Orphanet 84, MedGen C3150653, MONDO:0013248, OMIM 613390.

Submissions (2):

Myriad Genetics, Inc.
Classification: Pathogenic for Breast-ovarian cancer, familial, susceptibility to, 3. Last evaluated: 2024-01-02. Review status: criteria provided, single submitter. Criteria: Myriad Autosomal Dominant, Autosomal Recessive and X-Linked Classification Criteria (2023). Collection method: clinical testing. Allele origin: unknown.
Comment: This variant is considered pathogenic. This variant creates a termination codon and is predicted to result in premature protein truncation.

Labcorp Genetics (formerly Invitae), Labcorp
Classification: Pathogenic for Fanconi anemia complementation group O. Last evaluated: 2020-10-19. Review status: criteria provided, single submitter. Criteria: Invitae Variant Classification Sherloc (09022015). Collection method: clinical testing. Allele origin: germline.
Comment: For these reasons, this variant has been classified as Pathogenic. This variant has not been reported in the literature in individuals with RAD51C-related conditions. This variant is not present in population databases (ExAC no frequency). This sequence change creates a premature translational stop signal (p.Leu134*) in the RAD51C gene. It is expected to result in an absent or disrupted protein product. Loss-of-function variants in RAD51C are known to be pathogenic (PMID: 20400964, 21990120, 24800917).

Literature cited by the submitters: PubMed 20400964 (cited by Labcorp Genetics (formerly Invitae), Labcorp); PubMed 21990120 (cited by Labcorp Genetics (formerly Invitae), Labcorp); PubMed 24800917 (cited by Labcorp Genetics (formerly Invitae), Labcorp).